The following is an entry in ClinVar:

NM_033305.3(VPS13A):c.6379-7A>C

Gene: VPS13A (vacuolar protein sorting 13 homolog A; plus strand). Cytogenetic location: 9q21.2.
Variant type: single nucleotide variant.
Coding change: c.6379-7A>C on transcript NM_033305.3 (MANE Select); 7 bases into the intron before coding-DNA position 6379, A replaced by C.
Molecular consequence: intron variant.
Genome position (GRCh38, 1-based): chr9:77,339,509, A>C. VCF-style: chr9-77339509-A-C. GRCh37 (hg19) VCF-style: chr9-79954425-A-C.
Other names: c.6262-7A>C (NM_001018037.2); c.6379-7A>C (NM_015186.4, NM_001018038.3, NM_033305.2).
Identifiers: ClinVar variation 4805140 (VCV004805140.2).
Genomic context (GRCh38, chr9:77,339,509, plus strand): 5'-AGAATTTTGAGGCATATTATTCTGCAACATTTTAAATTTTGTTTTGTTTTTTTTTTTTTT[A>C]TTACAGGGAATTGAAAATTCGGTTTTTACTCTAAGTGAAGGACATTCAGCCCAGATTTGT-3'

ClinVar aggregate classification (germline): Likely benign. Review status: criteria provided, multiple submitters, no conflicts (2 of 4 stars). 2 submissions from 2 submitters: Likely benign (2). Last evaluated 2026-01-11.

Conditions:
VPS13A-related disorder. Also called: VPS13A-related condition.

Submissions (2):

Labcorp Genetics (formerly Invitae), Labcorp
Classification: Likely benign. Last evaluated: 2026-01-11. Review status: criteria provided, single submitter. Criteria: Invitae Variant Classification Sherloc (09022015). Collection method: clinical testing. Allele origin: germline.

PreventionGenetics, part of Exact Sciences
Classification: Likely benign for VPS13A-related condition. Last evaluated: 2025-01-24. Review status: criteria provided, single submitter. Criteria: ACMG Guidelines, 2015. Collection method: clinical testing. Allele origin: germline.
Comment: This variant is classified as likely benign based on ACMG/AMP sequence variant interpretation guidelines (Richards et al. 2015 PMID: 25741868, with internal and published modifications).